The following is an entry in ClinVar:

NM_006662.3(SRCAP):c.1187_1228+67del

Gene: SRCAP (Snf2 related CREBBP activator protein; plus strand). Cytogenetic location: 16p11.2.
Variant type: Deletion.
Coding change: c.1187_1228+67del on transcript NM_006662.3 (MANE Select); coding-DNA position 1187 through 67 bases into the intron after coding-DNA position 1228, 109 bases deleted.
Molecular consequence: splice donor variant.
Genome position (GRCh38, 1-based): chr16:30,710,806-30,710,914, 109 bases deleted. GRCh37 (hg19): chr16:30,722,127-30,722,235.
Identifiers: ClinVar variation 3235172 (VCV003235172.1), dbSNP rs2506624513.

ClinVar aggregate classification (germline): Likely pathogenic (1 of 4 stars; one submission).

Conditions:
Developmental delay, hypotonia, musculoskeletal defects, and behavioral abnormalities. Identifiers: MedGen C5562012, MONDO:0859202, OMIM 619595.

Submission:

MVZ Medizinische Genetik Mainz
Classification: Likely pathogenic for Developmental delay, hypotonia, musculoskeletal defects, and behavioral abnormalities. Last evaluated: 2023-09-14. Review status: criteria provided, single submitter. Criteria: UK Practice Guidelines For Variant Classification V4 01 2020. Collection method: clinical testing. Allele origin: germline. Inheritance: Autosomal dominant inheritance. Affected: yes. Observed: 1 variant allele.
Comment: ACMG Criteria: PVS1,PM2_SUP